The following is an entry in ClinVar:

ClinVar aggregate classification (germline): Uncertain significance (1 of 4 stars; one submission).

Allele frequency attached by ClinVar (database versions not stated): ExAC 0.00003.
gnomAD v4.1: 3 of 1,614,128 alleles (0.00019%); highest among the groups gnomAD compares: Non-Finnish European, 0.00025%; no homozygotes.

Submission:

Women's Health and Genetics/Laboratory Corporation of America, LabCorp
Classification: Uncertain significance. Last evaluated: 2023-06-27. Review status: criteria provided, single submitter. Criteria: LabCorp Variant Classification Summary - May 2015. Collection method: clinical testing. Allele origin: germline.
Comment: Variant summary: ARID1B c.6507G>C (p.Leu2169Phe) results in a non-conservative amino acid change in the encoded protein sequence. Two of four in-silico tools predict a benign effect of the variant on protein function. The variant allele was found at a frequency of 1.6e-05 in 251454 control chromosomes (gnomAD). The available data on variant occurrences in the general population are insufficient to allow any conclusion about variant significance. To our knowledge, no occurrence of c.6507G>C in individuals affected with Coffin-Siris Syndrome 1 and no experimental evidence demonstrating its impact on protein function have been reported. No submitters have cited clinical-significance assessments for this variant to ClinVar after 2014. Based on the evidence outlined above, the variant was classified as uncertain significance.

NM_001374828.1(ARID1B):c.6507G>C (p.Leu2169Phe)

Gene: ARID1B (AT-rich interaction domain 1B; plus strand). Cytogenetic location: 6q25.3.
Variant type: single nucleotide variant.
Coding change: c.6507G>C on transcript NM_001374828.1 (MANE Select); coding-DNA position 6507, G replaced by C.
Protein change: p.Leu2169Phe; replaces leucine 2169 with phenylalanine.
Molecular consequence: missense variant.
Genome position (GRCh38, 1-based): chr6:157,207,279, G>C. VCF-style: chr6-157207279-G-C. GRCh37 (hg19) VCF-style: chr6-157528413-G-C.
Other names: c.6348G>C, p.Leu2116Phe (NM_017519.3); c.6138G>C, p.Leu2046Phe (NM_020732.3); c.5925G>C, p.Leu1975Phe (NM_175863.2); c.6258G>C, p.Leu2086Phe (NM_001346813.1); c.4008G>C, p.Leu1336Phe (NM_001363725.2); c.6387G>C, p.Leu2129Phe (NM_001371656.1, NM_001374820.1); short protein forms L1336F, L1975F, L2046F, L2086F, L2116F, L2129F, L2169F.
Identifiers: ClinVar variation 2573469 (VCV002573469.1), dbSNP rs778762659, ClinGen allele CA4068035.